The following is an entry in ClinVar:

ClinVar aggregate classification (germline): Likely benign (1 of 4 stars; one submission).

Allele frequency attached by ClinVar (database versions not stated): TOPMed below 0.00001; gnomAD exomes 0.00001.
gnomAD v4.1: 10 of 1,614,168 alleles (0.00062%); highest among the groups gnomAD compares: Non-Finnish European, 0.00085%; no homozygotes.

Submission:

GeneDx
Classification: Likely benign. Last evaluated: 2015-11-10. Review status: criteria provided, single submitter. Criteria: GeneDx Variant Classification (06012015). Collection method: clinical testing. Allele origin: germline. Affected: yes.
Comment: This variant is considered likely benign or benign based on one or more of the following criteria: it is a conservative change, it occurs at a poorly conserved position in the protein, it is predicted to be benign by multiple in silico algorithms, and/or has population frequency not consistent with disease.

NM_020745.4(AARS2):c.1866+12C>T

Gene: AARS2 (alanyl-tRNA synthetase 2, mitochondrial; minus strand). Cytogenetic location: 6p21.1.
Variant type: single nucleotide variant.
Coding change: c.1866+12C>T on transcript NM_020745.4 (MANE Select); 12 bases into the intron after coding-DNA position 1866, C replaced by T.
Molecular consequence: intron variant.
Genome position (GRCh38, 1-based): chr6:44,304,408, G>A on the plus strand (C>T on the coding strand, the complement: AARS2 is on the minus strand). VCF-style: chr6-44304408-G-A. GRCh37 (hg19) VCF-style: chr6-44272145-G-A.
Identifiers: ClinVar variation 381286 (VCV000381286.1), dbSNP rs1057521008, ClinGen allele CA16605043.